The following is an entry in ClinVar:

NM_002485.5(NBN):c.826A>G (p.Thr276Ala)

Gene: NBN (nibrin; minus strand). Cytogenetic location: 8q21.3.
Variant type: single nucleotide variant.
Coding change: c.826A>G on transcript NM_002485.5 (MANE Select); coding-DNA position 826, A replaced by G.
Protein change: p.Thr276Ala; replaces threonine 276 with alanine.
Molecular consequence: missense variant.
Genome position (GRCh38, 1-based): chr8:89,970,434, T>C on the plus strand (A>G on the coding strand, the complement: NBN is on the minus strand). VCF-style: chr8-89970434-T-C. GRCh37 (hg19) VCF-style: chr8-90982662-T-C.
Other names: c.580A>G, p.Thr194Ala (NM_001024688.3); short protein forms T276A, T194A.
Identifiers: ClinVar variation 483954 (VCV000483954.10), dbSNP rs1554563895, ClinGen allele CA371658518.
Genomic context (GRCh38, chr8:89,970,434, plus strand): 5'-TATCCATTATTGACTGAATCCATTTCTTCTGACAGTCAGGAATTAAGGTCTGTGAGTTTG[T>C]TATTCCTGTATCAACAACACACGTTCCCGGAGCCAAAAAGAAATTATGTTCTTCTTCATT-3'
Protein context (NP_002476.2, residues 266-286): PGTCVVDTGI[Thr276Ala]NSQTLIPDCQ

ClinVar aggregate classification (germline): Uncertain significance. Review status: criteria provided, multiple submitters, no conflicts (2 of 4 stars). 2 submissions from 2 submitters: Uncertain significance (2). Last evaluated 2025-04-20.

Conditions:
Hereditary cancer-predisposing syndrome. Also called: Hereditary neoplastic syndrome; Neoplastic Syndromes, Hereditary; Tumor predisposition; Hereditary Cancer Syndrome. Identifiers: Orphanet 140162, MedGen C0027672, MeSH D009386, MONDO:0015356.
Microcephaly, normal intelligence and immunodeficiency (NBS). Also called: IMMUNODEFICIENCY, MICROCEPHALY, AND CHROMOSOMAL INSTABILITY; SEEMANOVA SYNDROME II; Nijmegen breakage syndrome; Microcephaly with normal intelligence immunodeficiency and lymphoreticular malignancies; Nonsyndromal microcephaly autosomal recessive with normal intelligence; Seemanova syndrome 2. Identifiers: Orphanet 647, MedGen C0398791, MONDO:0009623, OMIM 251260.

Submissions (2):

Ambry Genetics
Classification: Uncertain significance for Hereditary cancer-predisposing syndrome. Last evaluated: 2025-04-20. Review status: criteria provided, single submitter. Criteria: Ambry Variant Classification Scheme 2023. Collection method: clinical testing. Allele origin: germline.
Comment: The p.T276A variant (also known as c.826A>G), located in coding exon 7 of the NBN gene, results from an A to G substitution at nucleotide position 826. The threonine at codon 276 is replaced by alanine, an amino acid with similar properties. This amino acid position is well conserved in available vertebrate species; however, alanine is the reference amino acid in other vertebrate species. In addition, this alteration is predicted to be tolerated by in silico analysis. Since supporting evidence is limited at this time, the clinical significance of this alteration remains unclear.

Labcorp Genetics (formerly Invitae), Labcorp
Classification: Uncertain significance for Microcephaly, normal intelligence and immunodeficiency. Last evaluated: 2024-06-04. Review status: criteria provided, single submitter. Criteria: Invitae Variant Classification Sherloc (09022015). Collection method: clinical testing. Allele origin: germline.
Comment: This sequence change replaces threonine, which is neutral and polar, with alanine, which is neutral and non-polar, at codon 276 of the NBN protein (p.Thr276Ala). This variant is not present in population databases (gnomAD no frequency). This variant has not been reported in the literature in individuals affected with NBN-related conditions. ClinVar contains an entry for this variant (Variation ID: 483954). An algorithm developed to predict the effect of missense changes on protein structure and function (PolyPhen-2) suggests that this variant is likely to be tolerated. In summary, the available evidence is currently insufficient to determine the role of this variant in disease. Therefore, it has been classified as a Variant of Uncertain Significance.